The following is an entry in ClinVar:

NM_020207.7(ERCC6L2):c.2956A>T (p.Ile986Phe)

Gene: ERCC6L2 (ERCC excision repair 6 like 2; plus strand). Cytogenetic location: 9q22.32.
Variant type: single nucleotide variant.
Coding change: c.2956A>T on transcript NM_020207.7 (MANE Select); coding-DNA position 2956, A replaced by T.
Protein change: p.Ile986Phe; replaces isoleucine 986 with phenylalanine.
Molecular consequence: missense variant. On other transcripts: non-coding transcript variant (1).
Genome position (GRCh38, 1-based): chr9:95,972,707, A>T. VCF-style: chr9-95972707-A-T. GRCh37 (hg19) VCF-style: chr9-98734989-A-T.
Other names: c.2956A>T, p.Ile986Phe (NM_001375291.1, NM_001375292.1, NM_001375293.1 and 1 more transcripts); short protein forms I986F.
Identifiers: ClinVar variation 1897658 (VCV001897658.3), dbSNP rs943724664, ClinGen allele CA196597678.

ClinVar aggregate classification (germline): Uncertain significance (1 of 4 stars; one submission).

Allele frequency attached by ClinVar (database versions not stated): TOPMed 0.00003.
gnomAD v4.1: 39 of 1,301,956 alleles (0.003%); highest among the groups gnomAD compares: Non-Finnish European, 0.003%; no homozygotes.

Submission:

Labcorp Genetics (formerly Invitae), Labcorp
Classification: Uncertain significance. Last evaluated: 2024-01-31. Review status: criteria provided, single submitter. Criteria: Invitae Variant Classification Sherloc (09022015). Collection method: clinical testing. Allele origin: germline.
Comment: This sequence change replaces isoleucine, which is neutral and non-polar, with phenylalanine, which is neutral and non-polar, at codon 997 of the ERCC6L2 protein (p.Ile997Phe). This variant is present in population databases (no rsID available, gnomAD 0.02%). This variant has not been reported in the literature in individuals affected with ERCC6L2-related conditions. ClinVar contains an entry for this variant (Variation ID: 1897658). Experimental studies and prediction algorithms are not available or were not evaluated, and the functional significance of this variant is currently unknown. In summary, the available evidence is currently insufficient to determine the role of this variant in disease. Therefore, it has been classified as a Variant of Uncertain Significance.